The following is an entry in ClinVar:

NM_024685.4(BBS10):c.1195C>A (p.Leu399Ile)

Gene: BBS10 (Bardet-Biedl syndrome 10; minus strand). Cytogenetic location: 12q21.2.
Variant type: single nucleotide variant.
Coding change: c.1195C>A on transcript NM_024685.4 (MANE Select); coding-DNA position 1195, C replaced by A.
Protein change: p.Leu399Ile; replaces leucine 399 with isoleucine.
Molecular consequence: missense variant.
Genome position (GRCh38, 1-based): chr12:76,346,790, G>T on the plus strand (C>A on the coding strand, the complement: BBS10 is on the minus strand). VCF-style: chr12-76346790-G-T. GRCh37 (hg19) VCF-style: chr12-76740570-G-T.
Other names: c.1195C>A (NM_024685.3); short protein forms L399I.
Identifiers: ClinVar variation 1990231 (VCV001990231.2), dbSNP rs1178651478, ClinGen allele CA385812353.

ClinVar aggregate classification (germline): Uncertain significance. Review status: criteria provided, single submitter (1 of 4 stars). 2 submissions from 2 submitters: Uncertain significance (1). 1 of the submissions does not count toward it. Last evaluated 2022-08-22.

Conditions:
Bardet-Biedl syndrome (BBS). Identifiers: Orphanet 110, MedGen C0752166, MONDO:0015229.
BBS10-related disorder. Also called: BBS10-related condition.

gnomAD v4.1: 1 of 1,614,136 alleles (0.000062%); highest among the groups gnomAD compares: Admixed American, 0.0017%; no homozygotes.

Submissions (2):

Labcorp Genetics (formerly Invitae), Labcorp
Classification: Uncertain significance for Bardet-Biedl syndrome. Last evaluated: 2022-08-22. Review status: criteria provided, single submitter. Criteria: Invitae Variant Classification Sherloc (09022015). Collection method: clinical testing. Allele origin: germline.
Comment: This sequence change replaces leucine, which is neutral and non-polar, with isoleucine, which is neutral and non-polar, at codon 399 of the BBS10 protein (p.Leu399Ile). This variant is present in population databases (no rsID available, gnomAD 0.003%). This variant has not been reported in the literature in individuals affected with BBS10-related conditions. Algorithms developed to predict the effect of missense changes on protein structure and function are either unavailable or do not agree on the potential impact of this missense change (SIFT: "Tolerated"; PolyPhen-2: "Possibly Damaging"; Align-GVGD: "Class C0"). In summary, the available evidence is currently insufficient to determine the role of this variant in disease. Therefore, it has been classified as a Variant of Uncertain Significance.

PreventionGenetics, part of Exact Sciences
Classification: Uncertain significance for BBS10-related condition. Last evaluated: 2024-01-30. Review status: no assertion criteria provided. Collection method: clinical testing. Allele origin: germline. Not counted in ClinVar's aggregate classification.
Comment: The BBS10 c.1195C>A variant is predicted to result in the amino acid substitution p.Leu399Ile. To our knowledge, this variant has not been reported in the literature. This variant is reported in 0.0029% of alleles in individuals of Latino descent in gnomAD. At this time, the clinical significance of this variant is uncertain due to the absence of conclusive functional and genetic evidence.